The following is an entry in ClinVar:

ClinVar aggregate classification (germline): Uncertain significance (1 of 4 stars; one submission).

gnomAD v4.1: 2 of 1,614,110 alleles (0.00012%); highest among the groups gnomAD compares: Admixed American, 0.0033%; no homozygotes.

Submission:

Labcorp Genetics (formerly Invitae), Labcorp
Classification: Uncertain significance. Last evaluated: 2024-03-20. Review status: criteria provided, single submitter. Criteria: Invitae Variant Classification Sherloc (09022015). Collection method: clinical testing. Allele origin: germline.
Comment: This sequence change replaces serine, which is neutral and polar, with asparagine, which is neutral and polar, at codon 1319 of the KMT2E protein (p.Ser1319Asn). The frequency data for this variant in the population databases is considered unreliable, as metrics indicate poor data quality at this position in the gnomAD database. This variant has not been reported in the literature in individuals affected with KMT2E-related conditions. Advanced modeling of protein sequence and biophysical properties (such as structural, functional, and spatial information, amino acid conservation, physicochemical variation, residue mobility, and thermodynamic stability) performed at Invitae indicates that this missense variant is not expected to disrupt KMT2E protein function with a negative predictive value of 80%. In summary, the available evidence is currently insufficient to determine the role of this variant in disease. Therefore, it has been classified as a Variant of Uncertain Significance.

NM_182931.3(KMT2E):c.3956G>A (p.Ser1319Asn)

Gene: KMT2E (lysine methyltransferase 2E (inactive); plus strand). Cytogenetic location: 7q22.3.
Variant type: single nucleotide variant.
Coding change: c.3956G>A on transcript NM_182931.3 (MANE Select); coding-DNA position 3956, G replaced by A.
Protein change: p.Ser1319Asn; replaces serine 1319 with asparagine.
Molecular consequence: missense variant. On other transcripts: intron variant (1).
Genome position (GRCh38, 1-based): chr7:105,110,588, G>A. VCF-style: chr7-105110588-G-A. GRCh37 (hg19) VCF-style: chr7-104751035-G-A.
Other names: c.3956G>A, p.Ser1319Asn (NM_018682.4); c.3845-183G>A (NM_001410908.1); short protein forms S1319N.
Identifiers: ClinVar variation 3698153 (VCV003698153.2).